The following is an entry in ClinVar:

ClinVar aggregate classification (germline): Pathogenic. Review status: criteria provided, multiple submitters, no conflicts (2 of 4 stars). 4 submissions from 4 submitters: Pathogenic (4). Last evaluated 2024-01-16.

Conditions:
Ataxia-telangiectasia syndrome (AT). Also called: Cerebello-oculocutaneous telangiectasia; Immunodeficiency with ataxia telangiectasia; Ataxia telangiectasia (A-T); Ataxia-telangiectasia, complementation group E; LOUIS-BAR SYNDROME; Ataxia-telangiectasia. Identifiers: Orphanet 100, MedGen C0004135, MONDO:0008840, OMIM 208900.
Hereditary cancer-predisposing syndrome. Also called: Hereditary neoplastic syndrome; Tumor predisposition; Hereditary Cancer Syndrome; Neoplastic Syndromes, Hereditary. Identifiers: Orphanet 140162, MedGen C0027672, MeSH D009386, MONDO:0015356.
Familial cancer of breast. Also called: hereditary breast carcinoma; BREAST CANCER, FAMILIAL; Hereditary breast cancer. Identifiers: Orphanet 227535, MedGen C0346153, MONDO:0016419, OMIM 114480. Disease mechanism: loss of function.

Submissions (4):

Myriad Genetics, Inc.
Classification: Pathogenic for Familial cancer of breast. Last evaluated: 2024-01-16. Review status: criteria provided, single submitter. Criteria: Myriad Autosomal Dominant, Autosomal Recessive and X-Linked Classification Criteria (2023). Collection method: clinical testing. Allele origin: unknown.
Comment: This variant is considered pathogenic. This variant creates a frameshift predicted to result in premature protein truncation.

Ambry Genetics
Classification: Pathogenic for Hereditary cancer-predisposing syndrome. Last evaluated: 2023-10-27. Review status: criteria provided, single submitter. Criteria: Ambry Variant Classification Scheme 2023. Collection method: clinical testing. Allele origin: germline.
Comment: The c.1368dupA pathogenic mutation, located in coding exon 9 of the ATM gene, results from a duplication of A at nucleotide position 1368, causing a translational frameshift with a predicted alternate stop codon (p.R457Tfs*30). Amongst two different cohort studies, this variant was identified in 0 of 13087 breast cancer cases and at least 1 of 5488 control individuals in the UK, and in 1 of 535 pancreatic ductal adenocarcinoma cases (Decker B et al. J Med Genet, 2017 Nov;54:732-741; Zimmermann MT et al. Front Oncol, 2021 Mar;11:606820). This variant is considered to be rare based on population cohorts in the Genome Aggregation Database (gnomAD). In addition to the clinical data presented in the literature, this variant is expected to result in loss of function by premature protein truncation or nonsense-mediated mRNA decay. As such, this variant is interpreted as a disease-causing mutation.

Department of Pathology and Laboratory Medicine, Sinai Health System
Classification: Pathogenic for Familial cancer of breast; Ataxia-telangiectasia syndrome. Last evaluated: 2023-10-02. Review status: criteria provided, single submitter. Criteria: ACMG Guidelines, 2015. Collection method: clinical testing. Allele origin: germline. Affected: no.

Labcorp Genetics (formerly Invitae), Labcorp
Classification: Pathogenic for Ataxia-telangiectasia syndrome. Last evaluated: 2022-12-30. Review status: criteria provided, single submitter. Criteria: Invitae Variant Classification Sherloc (09022015). Collection method: clinical testing. Allele origin: germline.
Comment: ClinVar contains an entry for this variant (Variation ID: 578602). This sequence change creates a premature translational stop signal (p.Arg457Thrfs*30) in the ATM gene. It is expected to result in an absent or disrupted protein product. Loss-of-function variants in ATM are known to be pathogenic (PMID: 23807571, 25614872). This variant is not present in population databases (gnomAD no frequency). This variant has not been reported in the literature in individuals affected with ATM-related conditions. For these reasons, this variant has been classified as Pathogenic.

Literature cited by the submitters: PubMed 28779002 (cited by Ambry Genetics); PubMed 33747920 (cited by Ambry Genetics); PubMed 23807571 (cited by Labcorp Genetics (formerly Invitae), Labcorp); PubMed 25614872 (cited by Labcorp Genetics (formerly Invitae), Labcorp).

NM_000051.4(ATM):c.1368dup (p.Arg457fs)

Gene: ATM (ATM serine/threonine kinase; plus strand). Cytogenetic location: 11q22.3.
Variant type: Duplication.
Coding change: c.1368dup on transcript NM_000051.4 (MANE Select); coding-DNA position 1368, one base duplicated (A; older notation c.1368dupA).
Protein change: p.Arg457fs; shifts the reading frame from arginine 457.
Molecular consequence: frameshift variant.
Genome position (GRCh38, 1-based): chr11:108,250,833, A duplicated. VCF-style (leftmost placement, unchanged base first): chr11-108250832-T-TA. GRCh37 (hg19) VCF-style: chr11-108121559-T-TA.
Other names: c.1368dup (NM_000051.3); c.1368dupA (NM_000051.3); c.1368dup, p.Arg457fs (NM_001351834.2); short protein forms R457fs.
Identifiers: ClinVar variation 578602 (VCV000578602.8), dbSNP rs1565382593, ClinGen allele CA891842907.
Genomic context (GRCh38, chr11:108,250,832, plus strand): 5'-TGATGATACTATCTCAGCTTCTACCCCAACAGCGACATGGGGAACGTACACCATATGTGT[T>TA]ACGATGCCTTACGGAAGTTGCATTGTGTCAAGACAAGAGGTCAAACCTAGAAAGCTCACA-3'